The following is an entry in ClinVar:

ClinVar aggregate classification (germline): Likely benign (1 of 4 stars; one submission).

Allele frequency attached by ClinVar (database versions not stated): gnomAD 0.00001; ExAC 0.00002; TOPMed 0.00002.

Submission:

GeneDx
Classification: Likely benign. Last evaluated: 2015-11-20. Review status: criteria provided, single submitter. Criteria: GeneDx Variant Classification (06012015). Collection method: clinical testing. Allele origin: germline. Affected: yes.
Comment: This variant is considered likely benign or benign based on one or more of the following criteria: it is a conservative change, it occurs at a poorly conserved position in the protein, it is predicted to be benign by multiple in silico algorithms, and/or has population frequency not consistent with disease.

NM_001371596.2(MFSD8):c.-18C>T

Gene: MFSD8 (major facilitator superfamily domain containing 8; minus strand). Cytogenetic location: 4q28.2.
Variant type: single nucleotide variant.
Coding change: c.-18C>T on transcript NM_001371596.2 (MANE Select); 18 bases upstream of the start codon, C replaced by T.
Molecular consequence: 5 prime UTR variant. On other transcripts: intron variant (2).
Genome position (GRCh38, 1-based): chr4:127,965,151, G>A on the plus strand (C>T on the coding strand, the complement: MFSD8 is on the minus strand). VCF-style: chr4-127965151-G-A. GRCh37 (hg19) VCF-style: chr4-128886306-G-A.
Other names: c.-18C>T (NM_001363520.3, NM_001363521.3, NM_001371591.2 and 5 more transcripts); c.-151C>T (NM_001371595.1); c.-74+746C>T (NM_001410765.1, NM_001371590.2).
Identifiers: ClinVar variation 381867 (VCV000381867.3), dbSNP rs779186294, ClinGen allele CA3077627.